The following is an entry in ClinVar:

NM_031935.3(HMCN1):c.2674A>T (p.Ile892Phe)

Gene: HMCN1 (hemicentin 1; plus strand). Cytogenetic location: 1q31.1.
Variant type: single nucleotide variant.
Coding change: c.2674A>T on transcript NM_031935.3 (MANE Select); coding-DNA position 2674, A replaced by T.
Protein change: p.Ile892Phe; replaces isoleucine 892 with phenylalanine.
Molecular consequence: missense variant.
Genome position (GRCh38, 1-based): chr1:185,982,273, A>T. VCF-style: chr1-185982273-A-T. GRCh37 (hg19) VCF-style: chr1-185951405-A-T.
Other names: short protein forms I892F.
Identifiers: ClinVar variation 4765325 (VCV004765325.1).
Genomic context (GRCh38, chr1:185,982,273, plus strand): 5'-CTTTTGGGTGAAATAGAGTTGAAAGTGCCTGTGCTCTCTCTTGATTTAGTTGCTCCACTT[A>T]TTGGAATCAGCCCTTCAGTGGCCAATGTTATTGAAGGACAGCAGCTTACTTTGCCCTGTA-3'
Protein context (NP_114141.2, residues 882-902): VTVTGLVAPL[Ile892Phe]GISPSVANVI

ClinVar aggregate classification (germline): Uncertain significance (1 of 4 stars; one submission).

Submission:

Labcorp Genetics (formerly Invitae), Labcorp
Classification: Uncertain significance. Last evaluated: 2025-11-25. Review status: criteria provided, single submitter. Criteria: Invitae Variant Classification Sherloc (09022015). Collection method: clinical testing. Allele origin: germline.
Comment: This sequence change replaces isoleucine, which is neutral and non-polar, with phenylalanine, which is neutral and non-polar, at codon 892 of the HMCN1 protein (p.Ile892Phe). This variant is not present in population databases (gnomAD no frequency). This variant has not been reported in the literature in individuals affected with HMCN1-related conditions. An algorithm developed to predict the effect of missense changes on protein structure and function (PolyPhen-2) suggests that this variant is likely to be tolerated. In summary, the available evidence is currently insufficient to determine the role of this variant in disease. Therefore, it has been classified as a Variant of Uncertain Significance.